The following is an entry in ClinVar:

ClinVar aggregate classification (germline): Benign/Likely benign. Review status: criteria provided, multiple submitters, no conflicts (2 of 4 stars). 8 submissions from 7 submitters: Benign (3); Likely benign (5). Last evaluated 2026-01-12.

Conditions:
Autosomal recessive nonsyndromic hearing loss 21. Identifiers: Orphanet 90636, MedGen C1863655, MONDO:0011351, OMIM 603629.
Autosomal dominant nonsyndromic hearing loss 12. Also called: DEAFNESS, AUTOSOMAL DOMINANT 8. Identifiers: Orphanet 90635, MedGen C1832187, MONDO:0011102, OMIM 601543.

Allele frequency attached by ClinVar (database versions not stated): ESP Exome Variant Server 0.00008; 1000 Genomes Project 30x 0.00031; TOPMed 0.00054; ExAC 0.00075; gnomAD exomes 0.00096 and 0.00019; 1000 Genomes Project 0.00020; gnomAD 0.00024.
gnomAD v4.1: 301 of 1,614,092 alleles (0.019%); highest among the groups gnomAD compares: Admixed American, 0.49%; 2 homozygotes.

Submissions (8):

Labcorp Genetics (formerly Invitae), Labcorp
Classification: Benign. Last evaluated: 2026-01-12. Review status: criteria provided, single submitter. Criteria: Invitae Variant Classification Sherloc (09022015). Collection method: clinical testing. Allele origin: germline.

ARUP Laboratories, Molecular Genetics and Genomics, ARUP Laboratories
Classification: Likely benign. Last evaluated: 2023-11-08. Review status: criteria provided, single submitter. Criteria: ARUP Molecular Germline Variant Investigation Process 2024. Collection method: clinical testing. Allele origin: germline.

Blueprint Genetics
Classification: Likely benign. Last evaluated: 2021-04-20. Review status: criteria provided, single submitter. Criteria: ACMG Guidelines, 2015. Collection method: clinical testing. Allele origin: germline.

GeneDx
Classification: Benign. Last evaluated: 2020-02-27. Review status: criteria provided, single submitter. Criteria: GeneDx Variant Classification Process June 2021. Collection method: clinical testing. Allele origin: germline. Affected: yes.

Laboratory for Molecular Medicine, Mass General Brigham Personalized Medicine
Classification: Benign. Last evaluated: 2017-06-26. Review status: criteria provided, single submitter. Criteria: LMM Criteria. Collection method: clinical testing. Allele origin: germline. Observed: 5 variant alleles.
Comment: p.Gly487Gly in exon 7 of TECTA: This variant is not expected to have clinical si gnificance because it does not alter an amino acid residue, is not located withi n the splice consensus sequence, and has been identified in 0.67% (232/34418) of Latino chromosomes by the Genome Aggregation Database (gnomAD; dbSNP rs202127508).

Illumina Laboratory Services, Illumina
Classification: Likely benign for Autosomal recessive nonsyndromic hearing loss 21. Last evaluated: 2017-04-27. Review status: criteria provided, single submitter. Criteria: ICSL Variant Classification Criteria 13 December 2019. Collection method: clinical testing. Allele origin: germline.
Comment: This variant was observed as part of a predisposition screen in an ostensibly healthy population. A literature search was performed for the gene, cDNA change, and amino acid change (where applicable). No publications were found based on this search. Allele frequency data from public databases allowed determination this variant is unlikely to cause disease. Therefore, this variant is classified as likely benign.

Illumina Laboratory Services, Illumina
Classification: Likely benign for Autosomal dominant nonsyndromic hearing loss 12. Last evaluated: 2017-04-27. Review status: criteria provided, single submitter. Criteria: ICSL Variant Classification Criteria 13 December 2019. Collection method: clinical testing. Allele origin: germline.
Comment: the same text as in the submission from Illumina Laboratory Services, Illumina above.

Breakthrough Genomics
Classification: Likely benign. Review status: criteria provided, single submitter. Criteria: ACMG Guidelines, 2015. Collection method: not provided. Allele origin: germline. Inheritance: Autosomal recessive inheritance. Affected: yes.

NM_005422.4(TECTA):c.1461A>G (p.Gly487=)

Genes: TBCEL-TECTA (TBCEL-TECTA readthrough; plus strand), TECTA (tectorin alpha; plus strand). Cytogenetic location: 11q23.3.
Variant type: single nucleotide variant.
Coding change: c.1461A>G on transcript NM_005422.4 (MANE Select); coding-DNA position 1461, A replaced by G.
Protein change: p.Gly487=; no amino-acid change (glycine 487 retained).
Molecular consequence: synonymous variant.
Genome position (GRCh38, 1-based): chr11:121,125,559, A>G. VCF-style: chr11-121125559-A-G. GRCh37 (hg19) VCF-style: chr11-120996268-A-G.
Other names: c.2418A>G, p.Gly806= (NM_001378761.1).
Identifiers: ClinVar variation 165350 (VCV000165350.27), dbSNP rs202127508, ClinGen allele CA178085.